The following is an entry in ClinVar:

NM_000038.6(APC):c.5920del (p.Asp1974fs)

Gene: APC (APC regulator of Wnt signaling pathway; plus strand). Cytogenetic location: 5q22.2.
Variant type: Deletion.
Coding change: c.5920del on transcript NM_000038.6 (MANE Select); coding-DNA position 5920, one base deleted (G; older notation c.5920delG).
Protein change: p.Asp1974fs; shifts the reading frame from aspartic acid 1974.
Molecular consequence: frameshift variant.
Genome position (GRCh38, 1-based): chr5:112,841,514, G deleted. VCF-style (leftmost placement, unchanged base first): chr5-112841513-TG-T. GRCh37 (hg19) VCF-style: chr5-112177210-TG-T.
Other names: c.5920del, p.Asp1974fs (NM_001127510.3, NM_001354895.2); c.5866del, p.Asp1956fs (NM_001127511.3); c.5974del, p.Asp1992fs (NM_001354896.2); c.5950del, p.Asp1984fs (NM_001354897.2); c.5845del, p.Asp1949fs (NM_001354898.2); c.5836del, p.Asp1946fs (NM_001354899.2); c.5797del, p.Asp1933fs (NM_001354900.2); c.5743del, p.Asp1915fs (NM_001354901.2); and 5 more; short protein forms D1814fs, D1848fs, D1883fs, D1933fs, D1984fs, D1915fs, D1946fs, D1949fs.
Identifiers: ClinVar variation 486744 (VCV000486744.5), dbSNP rs1554087070, ClinGen allele CA658655980.

ClinVar aggregate classification (germline): Pathogenic (1 of 4 stars; one submission).

Conditions:
Hereditary cancer-predisposing syndrome. Also called: Tumor predisposition; Hereditary Cancer Syndrome; Hereditary neoplastic syndrome; Neoplastic Syndromes, Hereditary. Identifiers: Orphanet 140162, MedGen C0027672, MeSH D009386, MONDO:0015356.

Submission:

Ambry Genetics
Classification: Pathogenic for Hereditary cancer-predisposing syndrome. Last evaluated: 2021-03-26. Review status: criteria provided, single submitter. Criteria: Ambry Variant Classification Scheme 2023. Collection method: clinical testing. Allele origin: germline.
Comment: The c.5920delG pathogenic mutation, located in coding exon 15 of the APC gene, results from a deletion of one nucleotide at nucleotide position 5920, causing a translational frameshift with a predicted alternate stop codon (p.D1974Tfs*70). This alteration occurs at the 3' terminus of APC gene, is not expected to trigger nonsense-mediated mRNA decay, and impacts the last 870 amino acids of the protein. However, premature stop codons are typically deleterious in nature and the impacted region is critical for protein function (Ambry internal data). Based on the supporting evidence, this alteration is interpreted as a disease-causing mutation.